The following is an entry in ClinVar:

ClinVar aggregate classification (germline): Uncertain significance (1 of 4 stars; one submission).

Submission:

Labcorp Genetics (formerly Invitae), Labcorp
Classification: Uncertain significance. Last evaluated: 2021-08-11. Review status: criteria provided, single submitter. Criteria: Invitae Variant Classification Sherloc (09022015). Collection method: clinical testing. Allele origin: germline.
Comment: This sequence change replaces glutamic acid with alanine at codon 1248 of the CNGB1 protein (p.Glu1248Ala). The glutamic acid residue is moderately conserved and there is a moderate physicochemical difference between glutamic acid and alanine. This variant is not present in population databases (ExAC no frequency). This variant has not been reported in the literature in individuals affected with CNGB1-related conditions. Advanced modeling of protein sequence and biophysical properties (such as structural, functional, and spatial information, amino acid conservation, physicochemical variation, residue mobility, and thermodynamic stability) performed at Invitae indicates that this missense variant is not expected to disrupt CNGB1 protein function. In summary, the available evidence is currently insufficient to determine the role of this variant in disease. Therefore, it has been classified as a Variant of Uncertain Significance.

NM_001297.5(CNGB1):c.3743A>C (p.Glu1248Ala)

Gene: CNGB1 (cyclic nucleotide gated channel subunit beta 1; minus strand). Cytogenetic location: 16q21.
Variant type: single nucleotide variant.
Coding change: c.3743A>C on transcript NM_001297.5 (MANE Select); coding-DNA position 3743, A replaced by C.
Protein change: p.Glu1248Ala; replaces glutamic acid 1248 with alanine.
Molecular consequence: missense variant.
Genome position (GRCh38, 1-based): chr16:57,884,177, T>G on the plus strand (A>C on the coding strand, the complement: CNGB1 is on the minus strand). VCF-style: chr16-57884177-T-G. GRCh37 (hg19) VCF-style: chr16-57918081-T-G.
Other names: c.3725A>C, p.Glu1242Ala (NM_001286130.2); short protein forms E1242A, E1248A.
Identifiers: ClinVar variation 1355244 (VCV001355244.4), dbSNP rs2149350034, ClinGen allele CA396058999.